The following is an entry in ClinVar:

ClinVar aggregate classification (germline): Likely benign. Review status: criteria provided, multiple submitters, no conflicts (2 of 4 stars). 3 submissions from 3 submitters: Likely benign (2). 1 of the submissions does not count toward it. Last evaluated 2026-03-01.

Conditions:
SETD1B-related disorder. Also called: SETD1B-related condition.

gnomAD v4.1: 194 of 1,047,556 alleles (0.019%); highest among the groups gnomAD compares: Middle Eastern, 0.14%; no homozygotes.

Submissions (3):

CeGaT Center for Human Genetics Tuebingen
Classification: Likely benign. Last evaluated: 2026-03-01. Review status: criteria provided, single submitter. Criteria: CeGaT Center For Human Genetics Tuebingen Variant Classification Criteria Version 2. Collection method: clinical testing. Allele origin: germline. Affected: yes. Observed: 2 variant alleles.
Comment: SETD1B: BP4, BP7

Blueprint Genetics
Classification: Likely benign. Last evaluated: 2024-11-26. Review status: criteria provided, single submitter. Criteria: ACMG Guidelines, 2015. Collection method: clinical testing. Allele origin: germline.

PreventionGenetics, part of Exact Sciences
Classification: Likely benign for SETD1B-related condition. Last evaluated: 2019-02-20. Review status: no assertion criteria provided. Collection method: clinical testing. Allele origin: germline. Not counted in ClinVar's aggregate classification.
Comment: This variant is classified as likely benign based on ACMG/AMP sequence variant interpretation guidelines (Richards et al. 2015 PMID: 25741868, with internal and published modifications).

NM_001353345.2(SETD1B):c.2076C>A (p.Pro692=)

Gene: SETD1B (SET domain containing 1B, histone lysine methyltransferase; plus strand). Cytogenetic location: 12q24.31.
Variant type: single nucleotide variant.
Coding change: c.2076C>A on transcript NM_001353345.2 (MANE Select); coding-DNA position 2076, C replaced by A.
Protein change: p.Pro692=; no amino-acid change (proline 692 retained).
Molecular consequence: synonymous variant.
Genome position (GRCh38, 1-based): chr12:121,814,291, C>A. VCF-style: chr12-121814291-C-A. GRCh37 (hg19) VCF-style: chr12-122252197-C-A.
Other names: NM_015048.1:c.2076C>A.
Identifiers: ClinVar variation 2643441 (VCV002643441.26), dbSNP rs1368043466, ClinGen allele CA482433851.